The following is an entry in ClinVar:

NM_002860.4(ALDH18A1):c.1447C>T (p.Arg483Cys)

Gene: ALDH18A1 (aldehyde dehydrogenase 18 family member A1; minus strand). Cytogenetic location: 10q24.1.
Variant type: single nucleotide variant.
Coding change: c.1447C>T on transcript NM_002860.4 (MANE Select); coding-DNA position 1447, C replaced by T.
Protein change: p.Arg483Cys; replaces arginine 483 with cysteine.
Molecular consequence: missense variant.
Genome position (GRCh38, 1-based): chr10:95,621,051, G>A on the plus strand (C>T on the coding strand, the complement: ALDH18A1 is on the minus strand). VCF-style: chr10-95621051-G-A. GRCh37 (hg19) VCF-style: chr10-97380808-G-A.
Other names: c.1441C>T, p.Arg481Cys (NM_001017423.2, NM_001323415.2); c.1114C>T, p.Arg372Cys (NM_001323412.2, NM_001323416.2); c.1447C>T, p.Arg483Cys (NM_001323413.2, NM_001323414.2); c.1342C>T, p.Arg448Cys (NM_001323417.2); c.1108C>T, p.Arg370Cys (NM_001323418.2); c.811C>T, p.Arg271Cys (NM_001323419.2); short protein forms R448C, R271C, R481C, R370C, R372C, R483C.
Identifiers: ClinVar variation 2934154 (VCV002934154.3), dbSNP rs764145947, ClinGen allele CA5620323.

ClinVar aggregate classification (germline): Uncertain significance (1 of 4 stars; one submission).

Conditions:
Autosomal dominant spastic paraplegia type 9. Identifiers: MedGen C1832669, MONDO:0015091.
de Barsy syndrome. Also called: Cutis laxa-corneal clouding-oligophrenia syndrome. Identifiers: Orphanet 2962, MedGen C0268354, MONDO:0017569.
Cutis laxa, autosomal dominant 3 (ADCL3). Identifiers: Orphanet 90348, MedGen C4225268, MONDO:0014706, OMIM 616603.

Allele frequency attached by ClinVar (database versions not stated): gnomAD exomes below 0.00001; ExAC 0.00002.
gnomAD v4.1: 6 of 1,614,024 alleles (0.00037%); highest among the groups gnomAD compares: Admixed American, 0.0033%; no homozygotes.

Submission:

Labcorp Genetics (formerly Invitae), Labcorp
Classification: Uncertain significance for Autosomal dominant spastic paraplegia type 9; de Barsy syndrome; Cutis laxa, autosomal dominant 3. Last evaluated: 2023-10-05. Review status: criteria provided, single submitter. Criteria: Invitae Variant Classification Sherloc (09022015). Collection method: clinical testing. Allele origin: germline.
Comment: This sequence change replaces arginine, which is basic and polar, with cysteine, which is neutral and slightly polar, at codon 483 of the ALDH18A1 protein (p.Arg483Cys). This variant is present in population databases (rs764145947, gnomAD 0.006%). This variant has not been reported in the literature in individuals affected with ALDH18A1-related conditions. Advanced modeling of protein sequence and biophysical properties (such as structural, functional, and spatial information, amino acid conservation, physicochemical variation, residue mobility, and thermodynamic stability) performed at Invitae indicates that this missense variant is expected to disrupt ALDH18A1 protein function. In summary, the available evidence is currently insufficient to determine the role of this variant in disease. Therefore, it has been classified as a Variant of Uncertain Significance.